The following is an entry in ClinVar:

ClinVar aggregate classification (germline): Benign/Likely benign. Review status: criteria provided, multiple submitters, no conflicts (2 of 4 stars). 11 submissions from 10 submitters: Benign (3); Likely benign (8). Last evaluated 2026-09-01.

Conditions:
Cardiovascular phenotype. Identifiers: MedGen CN230736.
Ehlers-Danlos syndrome, arthrochalasia type, 2. Also called: EHLERS-DANLOS SYNDROME, TYPE VIIB, AUTOSOMAL DOMINANT. Identifiers: MedGen CN293783, MONDO:0040501, OMIM 617821.
Osteogenesis imperfecta type I (OI1). Also called: Osteogenesis imperfecta type 1; Classic Non-deforming Osteogenesis Imperfecta with Blue Sclerae; Lobstein's Disease; Lobstein disease; OI, TYPE I; OSTEOGENESIS IMPERFECTA TARDA. Identifiers: Orphanet 216796, Orphanet 666, MedGen C0023931, MONDO:0008146, OMIM 166200. Disease mechanism: loss of function.
Ehlers-Danlos syndrome, classic type, 1 (EDSCL1). Also called: EDS I; EHLERS-DANLOS SYNDROME, GRAVIS TYPE; EHLERS-DANLOS SYNDROME, SEVERE CLASSIC TYPE; Ehlers-Danlos syndrome, type 1; Ehlers-Danlos Syndrome, Classic Type, COL5A1-Related. Identifiers: MedGen C0268335, MONDO:0019567, OMIM 130000.
Connective tissue disorder. Also called: Connective tissue disease. Identifiers: MedGen C0009782, MONDO:0003900.
Osteogenesis imperfecta (OI). Identifiers: Orphanet 666, MedGen C0029434, MeSH D010013, MONDO:0019019.

Allele frequency attached by ClinVar (database versions not stated): ExAC 0.00019; gnomAD exomes 0.00024 and 0.00006; gnomAD 0.00004; TOPMed 0.00012.
gnomAD v4.1: 94 of 1,613,874 alleles (0.0058%); highest among the groups gnomAD compares: Admixed American, 0.1%; no homozygotes.

Submissions (11):

CeGaT Center for Human Genetics Tuebingen
Classification: Likely benign. Last evaluated: 2026-09-01. Review status: criteria provided, single submitter. Criteria: CeGaT Center For Human Genetics Tuebingen Variant Classification Criteria Version 2. Collection method: clinical testing. Allele origin: germline. Affected: yes. Observed: 2 variant alleles.
Comment: COL1A2: BP4, BP7

Labcorp Genetics (formerly Invitae), Labcorp
Classification: Benign for Osteogenesis imperfecta type I; Ehlers-Danlos syndrome, classic type, 1. Last evaluated: 2026-01-17. Review status: criteria provided, single submitter. Criteria: Invitae Variant Classification Sherloc (09022015). Collection method: clinical testing. Allele origin: germline.

Women's Health and Genetics/Laboratory Corporation of America, LabCorp
Classification: Likely benign. Last evaluated: 2025-01-03. Review status: criteria provided, single submitter. Criteria: LabCorp Variant Classification Summary - May 2015. Collection method: clinical testing. Allele origin: germline.

Blueprint Genetics
Classification: Likely benign. Last evaluated: 2024-10-14. Review status: criteria provided, single submitter. Criteria: ACMG Guidelines, 2015. Collection method: clinical testing. Allele origin: germline.

ARUP Laboratories, Molecular Genetics and Genomics, ARUP Laboratories
Classification: Likely benign. Last evaluated: 2023-02-27. Review status: criteria provided, single submitter. Criteria: ARUP Molecular Germline Variant Investigation Process 2024. Collection method: clinical testing. Allele origin: germline.

GeneDx
Classification: Likely benign. Last evaluated: 2021-03-02. Review status: criteria provided, single submitter. Criteria: GeneDx Variant Classification Process June 2021. Collection method: clinical testing. Allele origin: germline. Affected: yes.

Ambry Genetics
Classification: Likely benign for Cardiovascular phenotype. Last evaluated: 2020-11-24. Review status: criteria provided, single submitter. Criteria: Ambry Variant Classification Scheme 2023. Collection method: clinical testing. Allele origin: germline.

Center for Human Genetics, Inc
Classification: Likely benign for Connective tissue disorder. Last evaluated: 2018-06-01. Review status: criteria provided, single submitter. Criteria: ACMG Guidelines, 2015. Collection method: clinical testing. Allele origin: germline. Affected: yes.

Illumina Laboratory Services, Illumina
Classification: Benign for Ehlers-Danlos syndrome, arthrochalasia type, 2. Last evaluated: 2018-01-12. Review status: criteria provided, single submitter. Criteria: ICSL Variant Classification Criteria 13 December 2019. Collection method: clinical testing. Allele origin: germline.
Comment: This variant was observed in the ICSL laboratory as part of a predisposition screen in an ostensibly healthy population. It had not been previously curated by ICSL or reported in the Human Gene Mutation Database (HGMD: prior to June 1st, 2018), and was therefore a candidate for classification through an automated scoring system. Utilizing variant allele frequency, disease prevalence and penetrance estimates, and inheritance mode, an automated score was calculated to assess if this variant is too frequent to cause the disease. Based on the score and internal cut-off values, a variant classified as benign is not then subjected to further curation. The score for this variant resulted in a classification of benign for this disease.

Illumina Laboratory Services, Illumina
Classification: Benign for Osteogenesis imperfecta. Last evaluated: 2018-01-12. Review status: criteria provided, single submitter. Criteria: ICSL Variant Classification Criteria 13 December 2019. Collection method: clinical testing. Allele origin: germline.
Comment: the same text as in the submission from Illumina Laboratory Services, Illumina above.

Breakthrough Genomics
Classification: Likely benign. Review status: criteria provided, single submitter. Criteria: ACMG Guidelines, 2015. Collection method: not provided. Allele origin: germline. Inheritance: Autosomal recessive inheritance. Affected: yes.

NM_000089.4(COL1A2):c.48C>T (p.Thr16=)

Gene: COL1A2 (collagen type I alpha 2 chain; plus strand). Cytogenetic location: 7q21.3.
Variant type: single nucleotide variant.
Coding change: c.48C>T on transcript NM_000089.4 (MANE Select); coding-DNA position 48, C replaced by T.
Protein change: p.Thr16=; no amino-acid change (threonine 16 retained).
Molecular consequence: synonymous variant.
Genome position (GRCh38, 1-based): chr7:94,395,079, C>T. VCF-style: chr7-94395079-C-T. GRCh37 (hg19) VCF-style: chr7-94024391-C-T.
Identifiers: ClinVar variation 456841 (VCV000456841.28), dbSNP rs780687409, ClinGen allele CA4346409.